The following is an entry in ClinVar:

ClinVar aggregate classification (germline): Conflicting classifications of pathogenicity. Review status: criteria provided, conflicting classifications (1 of 4 stars). 3 submissions from 3 submitters: Likely pathogenic (1); Uncertain significance (2). Last evaluated 2026-01-13.

Conditions:
Retinitis pigmentosa 25 (RP25). Identifiers: Orphanet 791, MedGen C1864446, MONDO:0011272, OMIM 602772.

gnomAD v4.1: 2 of 1,440,480 alleles (0.00014%); highest among the groups gnomAD compares: East Asian, 0.0027%; no homozygotes.

Submissions (3):

Natera, Inc.
Classification: Likely pathogenic for Retinitis pigmentosa type 25. Last evaluated: 2026-01-13. Review status: criteria provided, single submitter. Criteria: Natera Variant Classification Schema (03/2026). Collection method: clinical testing. Allele origin: germline.
Comment: The c.5825G>T variant in EYS is a missense variant predicted to cause substitution of glycine to valine at amino acid 1942. This variant is rare in the general population with a frequency below the threshold expected for the associated phenotype(s). This variant has been observed in one or more individuals affected with the associated recessive disease, as either homozygous or compound heterozygous with a second variant (PMID: 38195571, 37506127, 34689181, 34178978). Computational prediction algorithms indicate this variant is likely to affect gene or protein function. Given the available evidence, this variant is classified as Likely Pathogenic.

Labcorp Genetics (formerly Invitae), Labcorp
Classification: Uncertain significance. Last evaluated: 2022-10-04. Review status: criteria provided, single submitter. Criteria: Invitae Variant Classification Sherloc (09022015). Collection method: clinical testing. Allele origin: germline.
Comment: This sequence change replaces glycine, which is neutral and non-polar, with valine, which is neutral and non-polar, at codon 1942 of the EYS protein (p.Gly1942Val). The frequency data for this variant in the population databases is considered unreliable, as metrics indicate poor data quality at this position in the gnomAD database. This missense change has been observed in individual(s) with clinical features of retinitis pigmentosa (PMID: 31054281). Advanced modeling of protein sequence and biophysical properties (such as structural, functional, and spatial information, amino acid conservation, physicochemical variation, residue mobility, and thermodynamic stability) has been performed at Invitae for this missense variant, however the output from this modeling did not meet the statistical confidence thresholds required to predict the impact of this variant on EYS protein function. In summary, the available evidence is currently insufficient to determine the role of this variant in disease. Therefore, it has been classified as a Variant of Uncertain Significance.

Blueprint Genetics
Classification: Uncertain significance. Last evaluated: 2020-06-11. Review status: criteria provided, single submitter. Criteria: ACMG Guidelines, 2015. Collection method: clinical testing. Allele origin: germline.

Literature cited by the submitters: PubMed 38195571 (cited by Natera, Inc.); PubMed 37506127 (cited by Natera, Inc.); PubMed 34689181 (cited by Natera, Inc.); PubMed 34178978 (cited by Natera, Inc.); PubMed 31054281 (cited by Labcorp Genetics (formerly Invitae), Labcorp).

NM_001142800.2(EYS):c.5825G>T (p.Gly1942Val)

Gene: EYS (EGF-like photoreceptor maintenance factor; minus strand). Cytogenetic location: 6q12.
Variant type: single nucleotide variant.
Coding change: c.5825G>T on transcript NM_001142800.2 (MANE Select); coding-DNA position 5825, G replaced by T.
Protein change: p.Gly1942Val; replaces glycine 1942 with valine.
Molecular consequence: missense variant.
Genome position (GRCh38, 1-based): chr6:64,439,172, C>A on the plus strand (G>T on the coding strand, the complement: EYS is on the minus strand). VCF-style: chr6-64439172-C-A. GRCh37 (hg19) VCF-style: chr6-65149065-C-A.
Other names: c.5825G>T, p.Gly1942Val (NM_001292009.2); c.5825G>T (NM_001142800.1); short protein forms G1942V.
Identifiers: ClinVar variation 2144700 (VCV002144700.3), dbSNP rs1236705592, ClinGen allele CA364392516.